The following is an entry in ClinVar:

NM_001211.6(BUB1B):c.339A>C (p.Lys113Asn)

Gene: BUB1B (BUB1 mitotic checkpoint serine/threonine kinase B; plus strand). Cytogenetic location: 15q15.1.
Variant type: single nucleotide variant.
Coding change: c.339A>C on transcript NM_001211.6 (MANE Select); coding-DNA position 339, A replaced by C.
Protein change: p.Lys113Asn; replaces lysine 113 with asparagine.
Molecular consequence: missense variant.
Genome position (GRCh38, 1-based): chr15:40,170,636, A>C. VCF-style: chr15-40170636-A-C. GRCh37 (hg19) VCF-style: chr15-40462837-A-C.
Other names: short protein forms K113N.
Identifiers: ClinVar variation 2870158 (VCV002870158.3), dbSNP rs747501110, ClinGen allele CA7475453.

ClinVar aggregate classification (germline): Uncertain significance (1 of 4 stars; one submission).

Conditions:
Mosaic variegated aneuploidy syndrome 1 (MVA1). Also called: Warburton-Anyane-Yeboa syndrome. Identifiers: Orphanet 1052, MedGen C1850343, MONDO:0009759, OMIM 257300.

Allele frequency attached by ClinVar (database versions not stated): ExAC 0.00001.
gnomAD v4.1: 1 of 1,613,724 alleles (0.000062%); no homozygotes.

Submission:

Labcorp Genetics (formerly Invitae), Labcorp
Classification: Uncertain significance for Mosaic variegated aneuploidy syndrome 1. Last evaluated: 2023-02-08. Review status: criteria provided, single submitter. Criteria: Invitae Variant Classification Sherloc (09022015). Collection method: clinical testing. Allele origin: germline.
Comment: In summary, the available evidence is currently insufficient to determine the role of this variant in disease. Therefore, it has been classified as a Variant of Uncertain Significance. Algorithms developed to predict the effect of missense changes on protein structure and function (SIFT, PolyPhen-2, Align-GVGD) all suggest that this variant is likely to be tolerated. This variant has not been reported in the literature in individuals affected with BUB1B-related conditions. This variant is present in population databases (rs747501110, gnomAD no frequency). This sequence change replaces lysine, which is basic and polar, with asparagine, which is neutral and polar, at codon 113 of the BUB1B protein (p.Lys113Asn).